The following is an entry in ClinVar:

NM_004646.4(NPHS1):c.1567C>T (p.Gln523Ter)

Gene: NPHS1 (NPHS1 adhesion molecule, nephrin; minus strand). Cytogenetic location: 19q13.12.
Variant type: single nucleotide variant.
Coding change: c.1567C>T on transcript NM_004646.4 (MANE Select); coding-DNA position 1567, C replaced by T.
Protein change: p.Gln523Ter; replaces glutamine 523 with a stop codon.
Molecular consequence: nonsense.
Genome position (GRCh38, 1-based): chr19:35,846,068, G>A on the plus strand (C>T on the coding strand, the complement: NPHS1 is on the minus strand). VCF-style: chr19-35846068-G-A. GRCh37 (hg19) VCF-style: chr19-36336970-G-A.
Other names: short protein forms Q523*.
Identifiers: ClinVar variation 955198 (VCV000955198.7), dbSNP rs1447842872, ClinGen allele CA405400231.

ClinVar aggregate classification (germline): Pathogenic (1 of 4 stars; one submission).

gnomAD v4.1: 4 of 1,595,992 alleles (0.00025%); highest among the groups gnomAD compares: Non-Finnish European, 0.00034%; no homozygotes.

Submission:

Labcorp Genetics (formerly Invitae), Labcorp
Classification: Pathogenic. Last evaluated: 2019-10-30. Review status: criteria provided, single submitter. Criteria: Invitae Variant Classification Sherloc (09022015). Collection method: clinical testing. Allele origin: germline.
Comment: This sequence change creates a premature translational stop signal (p.Gln523*) in the NPHS1 gene. It is expected to result in an absent or disrupted protein product. This variant is not present in population databases (ExAC no frequency). This variant has not been reported in the literature in individuals with NPHS1-related conditions. Loss-of-function variants in NPHS1 are known to be pathogenic (PMID: 11317351, 11854170, 12039988). For these reasons, this variant has been classified as Pathogenic.

Literature cited by the submitters: PubMed 11317351; PubMed 11854170; PubMed 12039988.